The following is an entry in ClinVar:

NM_000051.4(ATM):c.6059G>T (p.Gly2020Val)

Genes: ATM (ATM serine/threonine kinase; plus strand), C11orf65 (chromosome 11 open reading frame 65; minus strand). Cytogenetic location: 11q22.3.
Variant type: single nucleotide variant.
Coding change: c.6059G>T on transcript NM_000051.4 (MANE Select); coding-DNA position 6059, G replaced by T.
Protein change: p.Gly2020Val; replaces glycine 2020 with valine.
Molecular consequence: missense variant. On other transcripts: intron variant (2).
Genome position (GRCh38, 1-based): chr11:108,315,875, G>T. VCF-style: chr11-108315875-G-T. GRCh37 (hg19) VCF-style: chr11-108186602-G-T.
Other names: c.6059G>T, p.Gly2020Val (NM_001351834.2); c.641-6804C>A (NM_001330368.2); c.*39-6804C>A (NM_001351110.2); short protein forms G2020V.
Identifiers: ClinVar variation 955939 (VCV000955939.11), dbSNP rs1591776938, ClinGen allele CA382550034.
Genomic context (GRCh38, chr11:108,315,875, plus strand): 5'-GTTTTCAGGATCTTCTCTTAGAAATCTACAGAAGTATAGGGGAGCCAGATAGTTTGTATG[G>T]CTGTGGTGGAGGGAAGATGTTACAACCCATTACTAGGTAAATTGCATTTTTCTAAACAAC-3'
Protein context (NP_000042.3, residues 2010-2030): RSIGEPDSLY[Gly2020Val]CGGGKMLQPI

ClinVar aggregate classification (germline): Uncertain significance. Review status: criteria provided, multiple submitters, no conflicts (2 of 4 stars). 3 submissions from 3 submitters: Uncertain significance (3). Last evaluated 2024-12-14.

Conditions:
Hereditary cancer-predisposing syndrome. Also called: Tumor predisposition; Neoplastic Syndromes, Hereditary; Hereditary neoplastic syndrome; Hereditary Cancer Syndrome. Identifiers: Orphanet 140162, MedGen C0027672, MeSH D009386, MONDO:0015356.
Ataxia-telangiectasia syndrome (AT). Also called: Ataxia-telangiectasia, complementation group D; AT, COMPLEMENTATION GROUP C; ATAXIA-TELANGIECTASIA, COMPLEMENTATION GROUP A; ATAXIA-TELANGIECTASIA, FRESNO VARIANT; Ataxia-telangiectasia; Ataxia telangiectasia (A-T). Identifiers: Orphanet 100, MedGen C0004135, MONDO:0008840, OMIM 208900.

Submissions (3):

Ambry Genetics
Classification: Uncertain significance for Hereditary cancer-predisposing syndrome. Last evaluated: 2024-12-14. Review status: criteria provided, single submitter. Criteria: Ambry Variant Classification Scheme 2023. Collection method: clinical testing. Allele origin: germline.
Comment: The p.G2020V variant (also known as c.6059G>T), located in coding exon 40 of the ATM gene, results from a G to T substitution at nucleotide position 6059. The glycine at codon 2020 is replaced by valine, an amino acid with dissimilar properties. This amino acid position is highly conserved in available vertebrate species. In addition, the in silico prediction for this alteration is inconclusive. Based on the available evidence, the clinical significance of this variant remains unclear.

Labcorp Genetics (formerly Invitae), Labcorp
Classification: Uncertain significance for Ataxia-telangiectasia syndrome. Last evaluated: 2023-03-31. Review status: criteria provided, single submitter. Criteria: Invitae Variant Classification Sherloc (09022015). Collection method: clinical testing. Allele origin: germline.
Comment: This sequence change replaces glycine, which is neutral and non-polar, with valine, which is neutral and non-polar, at codon 2020 of the ATM protein (p.Gly2020Val). This variant is not present in population databases (gnomAD no frequency). This missense change has been observed in individual(s) with breast cancer (PMID: 30303537). ClinVar contains an entry for this variant (Variation ID: 955939). An algorithm developed to predict the effect of missense changes on protein structure and function (PolyPhen-2) suggests that this variant is likely to be disruptive. In summary, the available evidence is currently insufficient to determine the role of this variant in disease. Therefore, it has been classified as a Variant of Uncertain Significance.

GeneDx
Classification: Uncertain significance. Last evaluated: 2023-03-03. Review status: criteria provided, single submitter. Criteria: GeneDx Variant Classification Process June 2021. Collection method: clinical testing. Allele origin: germline. Affected: yes.
Comment: Not observed at significant frequency in large population cohorts (gnomAD); In silico analysis supports that this missense variant has a deleterious effect on protein structure/function; Observed in an individual with breast cancer (Girard et al., 2019); This variant is associated with the following publications: (PMID: 30303537, 23532176)

Literature cited by the submitters: PubMed 30303537 (cited by Labcorp Genetics (formerly Invitae), Labcorp).